The following is an entry in ClinVar:

ClinVar aggregate classification (germline): Uncertain significance. Review status: criteria provided, multiple submitters, no conflicts (2 of 4 stars). 2 submissions from 2 submitters: Uncertain significance (2). Last evaluated 2024-12-12.

Conditions:
Glycine encephalopathy. Also called: Non-ketotic hyperglycinemia; Nonketotic hyperglycinemia. Identifiers: Orphanet 407, MedGen C0751748, MONDO:0011612, HP:0008288.
Inborn genetic diseases. Identifiers: MedGen C0950123, MeSH D030342.

Allele frequency attached by ClinVar (database versions not stated): gnomAD exomes below 0.00001.
gnomAD v4.1: 3 of 1,600,928 alleles (0.00019%); highest among the groups gnomAD compares: East Asian, 0.0045%; no homozygotes.

Submissions (2):

Ambry Genetics
Classification: Uncertain significance for Inborn genetic diseases. Last evaluated: 2024-12-12. Review status: criteria provided, single submitter. Criteria: Ambry Variant Classification Scheme 2023. Collection method: clinical testing. Allele origin: germline.

Labcorp Genetics (formerly Invitae), Labcorp
Classification: Uncertain significance for Glycine encephalopathy. Last evaluated: 2021-12-07. Review status: criteria provided, single submitter. Criteria: Invitae Variant Classification Sherloc (09022015). Collection method: clinical testing. Allele origin: germline.
Comment: This sequence change replaces valine, which is neutral and non-polar, with phenylalanine, which is neutral and non-polar, at codon 497 of the GLDC protein (p.Val497Phe). This variant is present in population databases (no rsID available, gnomAD 0.006%). This variant has not been reported in the literature in individuals affected with GLDC-related conditions. Advanced modeling of protein sequence and biophysical properties (such as structural, functional, and spatial information, amino acid conservation, physicochemical variation, residue mobility, and thermodynamic stability) performed at Invitae indicates that this missense variant is not expected to disrupt GLDC protein function. In summary, the available evidence is currently insufficient to determine the role of this variant in disease. Therefore, it has been classified as a Variant of Uncertain Significance.

NM_000170.3(GLDC):c.1489G>T (p.Val497Phe)

Gene: GLDC (glycine decarboxylase; minus strand). Cytogenetic location: 9p24.1.
Variant type: single nucleotide variant.
Coding change: c.1489G>T on transcript NM_000170.3 (MANE Select); coding-DNA position 1489, G replaced by T.
Protein change: p.Val497Phe; replaces valine 497 with phenylalanine.
Molecular consequence: missense variant.
Genome position (GRCh38, 1-based): chr9:6,589,286, C>A on the plus strand (G>T on the coding strand, the complement: GLDC is on the minus strand). VCF-style: chr9-6589286-C-A. GRCh37 (hg19) VCF-style: chr9-6589286-C-A.
Other names: c.1489G>T (NM_000170.2); short protein forms V497F.
Identifiers: ClinVar variation 1473001 (VCV001473001.4), dbSNP rs1389059785, ClinGen allele CA372893392.